The following is an entry in ClinVar:

NM_001363711.2(DUOX2):c.2935G>A (p.Gly979Arg)

Gene: DUOX2 (dual oxidase 2; minus strand). Cytogenetic location: 15q21.1.
Variant type: single nucleotide variant.
Coding change: c.2935G>A on transcript NM_001363711.2 (MANE Select); coding-DNA position 2935, G replaced by A.
Protein change: p.Gly979Arg; replaces glycine 979 with arginine.
Molecular consequence: missense variant.
Genome position (GRCh38, 1-based): chr15:45,100,825, C>T on the plus strand (G>A on the coding strand, the complement: DUOX2 is on the minus strand). VCF-style: chr15-45100825-C-T. GRCh37 (hg19) VCF-style: chr15-45393023-C-T.
Other names: c.2935G>A, p.Gly979Arg (NM_014080.5); short protein forms G979R.
Identifiers: ClinVar variation 1375931 (VCV001375931.7), dbSNP rs1291549758, ClinGen allele CA392264769.

ClinVar aggregate classification (germline): Uncertain significance. Review status: criteria provided, multiple submitters, no conflicts (2 of 4 stars). 2 submissions from 2 submitters: Uncertain significance (2). Last evaluated 2024-10-22.

Allele frequency attached by ClinVar (database versions not stated): gnomAD 0.00001; gnomAD exomes 0.00001.
gnomAD v4.1: 23 of 1,611,690 alleles (0.0014%); highest among the groups gnomAD compares: Non-Finnish European, 0.0015%; 1 homozygote.

Submissions (2):

Women's Health and Genetics/Laboratory Corporation of America, LabCorp
Classification: Uncertain significance. Last evaluated: 2024-10-22. Review status: criteria provided, single submitter. Criteria: LabCorp Variant Classification Summary - May 2015. Collection method: clinical testing. Allele origin: germline.
Comment: Variant summary: DUOX2 c.2935G>A (p.Gly979Arg) results in a non-conservative amino acid change in the encoded protein sequence. Four of five in-silico tools predict a benign effect of the variant on protein function. The variant allele was found at a frequency of 1.2e-05 in 248780 control chromosomes. The available data on variant occurrences in the general population are insufficient to allow any conclusion about variant significance. To our knowledge, no occurrence of c.2935G>A in individuals affected with Thyroid Dyshormonogenesis 6 and no experimental evidence demonstrating its impact on protein function have been reported. ClinVar contains an entry for this variant (Variation ID: 1375931). Based on the evidence outlined above, the variant was classified as uncertain significance.

Labcorp Genetics (formerly Invitae), Labcorp
Classification: Uncertain significance. Last evaluated: 2023-12-14. Review status: criteria provided, single submitter. Criteria: Invitae Variant Classification Sherloc (09022015). Collection method: clinical testing. Allele origin: germline.
Comment: This sequence change replaces glycine, which is neutral and non-polar, with arginine, which is basic and polar, at codon 979 of the DUOX2 protein (p.Gly979Arg). This variant is present in population databases (no rsID available, gnomAD 0.002%). This variant has not been reported in the literature in individuals affected with DUOX2-related conditions. ClinVar contains an entry for this variant (Variation ID: 1375931). Advanced modeling of protein sequence and biophysical properties (such as structural, functional, and spatial information, amino acid conservation, physicochemical variation, residue mobility, and thermodynamic stability) performed at Invitae indicates that this missense variant is not expected to disrupt DUOX2 protein function with a negative predictive value of 95%. In summary, the available evidence is currently insufficient to determine the role of this variant in disease. Therefore, it has been classified as a Variant of Uncertain Significance.